The following is an entry in ClinVar:

NM_006329.4(FBLN5):c.323C>A (p.Ser108Tyr)

Gene: FBLN5 (fibulin 5; minus strand). Cytogenetic location: 14q32.12.
Variant type: single nucleotide variant.
Coding change: c.323C>A on transcript NM_006329.4 (MANE Select); coding-DNA position 323, C replaced by A.
Protein change: p.Ser108Tyr; replaces serine 108 with tyrosine.
Molecular consequence: missense variant.
Genome position (GRCh38, 1-based): chr14:91,937,003, G>T on the plus strand (C>A on the coding strand, the complement: FBLN5 is on the minus strand). VCF-style: chr14-91937003-G-T. GRCh37 (hg19) VCF-style: chr14-92403347-G-T.
Other names: c.446C>A, p.Ser149Tyr (NM_001384158.1); c.374C>A, p.Ser125Tyr (NM_001384159.1); c.323C>A, p.Ser108Tyr (NM_001384160.1); c.155C>A, p.Ser52Tyr (NM_001384161.1, NM_001384162.1); short protein forms S125Y, S108Y, S52Y, S149Y.
Identifiers: ClinVar variation 3011671 (VCV003011671.3), dbSNP rs2542900287, ClinGen allele CA390639732.
Genomic context (GRCh38, chr14:91,937,003, plus strand): 5'-TCACCCACACATTGGTTGCTTTCATCCATCTGGTATCCAAAGCGGCATATAAGAGGCCTG[G>T]AGATCGTGGGATAGTTTGGAGCTGAGAGTGGTGGGGCAGCTGCTGGGTACGGACCTGAGT-3'
Protein context (NP_006320.2, residues 98-118): PLSAPNYPTI[Ser108Tyr]RPLICRFGYQ

ClinVar aggregate classification (germline): Uncertain significance (1 of 4 stars; one submission).

gnomAD v4.1: 1 of 1,614,160 alleles (0.000062%); highest among the groups gnomAD compares: Non-Finnish European, 0.000085%; no homozygotes.

Submission:

Labcorp Genetics (formerly Invitae), Labcorp
Classification: Uncertain significance. Last evaluated: 2023-11-13. Review status: criteria provided, single submitter. Criteria: Invitae Variant Classification Sherloc (09022015). Collection method: clinical testing. Allele origin: germline.
Comment: This sequence change replaces serine, which is neutral and polar, with tyrosine, which is neutral and polar, at codon 108 of the FBLN5 protein (p.Ser108Tyr). This variant is not present in population databases (gnomAD no frequency). This variant has not been reported in the literature in individuals affected with FBLN5-related conditions. An algorithm developed to predict the effect of missense changes on protein structure and function (PolyPhen-2) suggests that this variant is likely to be tolerated. In summary, the available evidence is currently insufficient to determine the role of this variant in disease. Therefore, it has been classified as a Variant of Uncertain Significance.